The following is an entry in ClinVar:

NM_000260.4(MYO7A):c.2436G>A (p.Leu812=)

Gene: MYO7A (myosin VIIA; plus strand). Cytogenetic location: 11q13.5.
Variant type: single nucleotide variant.
Coding change: c.2436G>A on transcript NM_000260.4 (MANE Select); coding-DNA position 2436, G replaced by A.
Protein change: p.Leu812=; no amino-acid change (leucine 812 retained).
Molecular consequence: synonymous variant.
Genome position (GRCh38, 1-based): chr11:77,179,803, G>A. VCF-style: chr11-77179803-G-A. GRCh37 (hg19) VCF-style: chr11-76890849-G-A.
Other names: c.2436G>A, p.Leu812= (NM_001127180.2); c.2403G>A, p.Leu801= (NM_001369365.1); c.2436G>A (NM_000260.3).
Identifiers: ClinVar variation 1119396 (VCV001119396.11), dbSNP rs782415349, ClinGen allele CA6197843.
Genomic context (GRCh38, chr11:77,179,803, plus strand): 5'-GGGCTTCCTGCGGCTGCAGGCCCTGCACCGCTCCCGGAAGCTGCACCAGCAGTACCGCCT[G>A]GCCCGCCAGCGCATCATCCAGTTCCAGGCCCGCTGCCGCGCCTATCTGGTGCGCAAGGCC-3'
Protein context (NP_000251.3, residues 802-822): RSRKLHQQYR[Leu812=]ARQRIIQFQA

ClinVar aggregate classification (germline): Likely benign. Review status: criteria provided, multiple submitters, no conflicts (2 of 4 stars). 3 submissions from 3 submitters: Likely benign (3). Last evaluated 2026-01-30.

Conditions:
MYO7A-related disorder. Also called: MYO7A-related disorders.

Allele frequency attached by ClinVar (database versions not stated): gnomAD exomes 0.00001; ExAC 0.00007; gnomAD 0.00010 and 0.00011; TOPMed 0.00016.
gnomAD v4.1: 34 of 1,548,766 alleles (0.0022%); highest among the groups gnomAD compares: African/African-American, 0.04%; no homozygotes.

Submissions (3):

Labcorp Genetics (formerly Invitae), Labcorp
Classification: Likely benign. Last evaluated: 2026-01-30. Review status: criteria provided, single submitter. Criteria: Invitae Variant Classification Sherloc (09022015). Collection method: clinical testing. Allele origin: germline.

PreventionGenetics, part of Exact Sciences
Classification: Likely benign for MYO7A-related condition. Last evaluated: 2025-05-22. Review status: criteria provided, single submitter. Criteria: ACMG Guidelines, 2015. Collection method: clinical testing. Allele origin: germline.
Comment: This variant is classified as likely benign based on ACMG/AMP sequence variant interpretation guidelines (Richards et al. 2015 PMID: 25741868, with internal and published modifications).

Blueprint Genetics
Classification: Likely benign. Last evaluated: 2024-07-19. Review status: criteria provided, single submitter. Criteria: ACMG Guidelines, 2015. Collection method: clinical testing. Allele origin: germline.